The following is an entry in ClinVar:

ClinVar aggregate classification (germline): Uncertain significance (1 of 4 stars; one submission).

Submission:

Women's Health and Genetics/Laboratory Corporation of America, LabCorp
Classification: Uncertain significance. Last evaluated: 2026-05-29. Review status: criteria provided, single submitter. Criteria: LabCorp Variant Classification Summary - May 2015. Collection method: clinical testing. Allele origin: germline.
Comment: Variant summary: The variant involves the deletion of exon 1 in the SETMAR gene. A presumed nomenclature of c.(?_-3)_(156+1_157-1)del has been designated for the purposes of this classification. The exact breakpoint at the 5' end of this variant is unknown, therefore this deletion may extend upstream of the annotated region of this gene. Although the exact breakpoints of this deletion are not known, it is predicted to remove the initiation codon and result in an absence of protein or a truncation of the encoded protein due to translation initiation at a downstream site. Current evidence is not sufficient to establish loss of function as a mechanism for disease. A large deletion (~10.6 kb) which includes the deletion of exon 1 in the SETMAR gene was found at a frequency of 2.5e-05 in 120780 control chromosomes in the gnomAD database Structural Variants v4.1 dataset. The available data on variant occurrences in the general population are insufficient to allow any conclusion about variant significance. To our knowledge, no occurrence of c.(?_-3)_(156+1_157-1)del in individuals affected with SETMAR-related conditions and no experimental evidence demonstrating its impact on protein function have been reported. No submitters have cited clinical-significance assessments for this variant to ClinVar. Based on the evidence outlined above, the variant was classified as uncertain significance.

NC_000003.11:g.(?_4345052)_(4345211_4354581)del

Gene: SETMAR (SET and mariner transposase domain methyltransferase; plus strand). Cytogenetic location: 3p26.1.
Variant type: Deletion.
Identifiers: ClinVar variation 4853789 (VCV004853789.1).